The following is an entry in ClinVar:

NM_001854.4(COL11A1):c.898-260C>A

Gene: COL11A1 (collagen type XI alpha 1 chain; minus strand). Cytogenetic location: 1p21.1.
Variant type: single nucleotide variant.
Coding change: c.898-260C>A on transcript NM_001854.4 (MANE Select); 260 bases into the intron before coding-DNA position 898, C replaced by A.
Molecular consequence: intron variant. On other transcripts: missense variant (1).
Genome position (GRCh38, 1-based): chr1:103,025,873, G>T on the plus strand (C>A on the coding strand, the complement: COL11A1 is on the minus strand). VCF-style: chr1-103025873-G-T. GRCh37 (hg19) VCF-style: chr1-103491429-G-T.
Other names: c.860C>A, p.Pro287His (NM_080629.3); c.781-260C>A (NM_001190709.2); c.897+343C>A (NM_080630.4); short protein forms P287H.
Identifiers: ClinVar variation 3372434 (VCV003372434.1).
Genomic context (GRCh38, chr1:103,025,873, plus strand): 5'-TTGGCTTTTGCTGATGCTTGATAACTTTTCTTCTTCTTGGATGAAAATTTTTCAGATTTG[G>T]GGGGTGTAAACTTTTTGGATTTTTCCTTTGATTTAGTAGCCACTGTCCTCATCTTCTTTT-3'

ClinVar aggregate classification (germline): Uncertain significance (1 of 4 stars; one submission).

gnomAD v4.1: 2 of 1,613,248 alleles (0.00012%); highest among the groups gnomAD compares: Admixed American, 0.0017%; no homozygotes.

Submission:

GeneDx
Classification: Uncertain significance. Last evaluated: 2024-04-10. Review status: criteria provided, single submitter. Criteria: GeneDx Variant Classification Process June 2021. Collection method: clinical testing. Allele origin: germline. Affected: yes.
Comment: Has not been previously published as pathogenic or benign to our knowledge; Not observed at significant frequency in large population cohorts (gnomAD); In silico analysis indicates that this variant does not alter splicing; This variant is associated with the following publications: (PMID: 25240749)